The following is an entry in ClinVar:

ClinVar aggregate classification (germline): Uncertain significance (1 of 4 stars; one submission).

Submission:

Labcorp Genetics (formerly Invitae), Labcorp
Classification: Uncertain significance. Last evaluated: 2023-03-07. Review status: criteria provided, single submitter. Criteria: Invitae Variant Classification Sherloc (09022015). Collection method: clinical testing. Allele origin: germline.
Comment: In summary, the available evidence is currently insufficient to determine the role of this variant in disease. Therefore, it has been classified as a Variant of Uncertain Significance. Advanced modeling of protein sequence and biophysical properties (such as structural, functional, and spatial information, amino acid conservation, physicochemical variation, residue mobility, and thermodynamic stability) performed at Invitae indicates that this missense variant is not expected to disrupt TFRC protein function. This variant has not been reported in the literature in individuals affected with TFRC-related conditions. This variant is not present in population databases (gnomAD no frequency). This sequence change replaces tyrosine, which is neutral and polar, with cysteine, which is neutral and slightly polar, at codon 168 of the TFRC protein (p.Tyr168Cys).

NM_001128148.3(TFRC):c.503A>G (p.Tyr168Cys)

Gene: TFRC (transferrin receptor; minus strand). Cytogenetic location: 3q29.
Variant type: single nucleotide variant.
Coding change: c.503A>G on transcript NM_001128148.3 (MANE Select); coding-DNA position 503, A replaced by G.
Protein change: p.Tyr168Cys; replaces tyrosine 168 with cysteine.
Molecular consequence: missense variant. On other transcripts: 5 prime UTR variant (1).
Genome position (GRCh38, 1-based): chr3:196,072,084, T>C on the plus strand (A>G on the coding strand, the complement: TFRC is on the minus strand). VCF-style: chr3-196072084-T-C. GRCh37 (hg19) VCF-style: chr3-195798955-T-C.
Other names: c.260A>G, p.Tyr87Cys (NM_001313965.2); c.-344A>G (NM_001313966.2); c.503A>G, p.Tyr168Cys (NM_003234.4); short protein forms Y168C, Y87C.
Identifiers: ClinVar variation 2880751 (VCV002880751.3), dbSNP rs2473985113, ClinGen allele CA355576409.
Genomic context (GRCh38, chr3:196,072,084, plus strand): 5'-ACAAAATGTTGATCACGCCAGACTTTGCTGAGTTTAAATTCACGAAATTGATTTTCAACA[T>C]ACAACGCAAGATTTTCATCTTTTTGAGATCCAGCCTCACGAGGGACATATGAATTTTCAT-3'
Protein context (NP_001121620.1, residues 158-178): GSQKDENLAL[Tyr168Cys]VENQFREFKL